The following is an entry in ClinVar:

ClinVar aggregate classification (germline): Uncertain significance (1 of 4 stars; one submission).

Conditions:
Early-infantile DEE. Also called: Early infantile epileptic encephalopathy; Early infantile epileptic encephalopathy with suppression bursts; Ohtahara syndrome. Identifiers: Orphanet 1934, MedGen C0393706, MONDO:0800491.

Submission:

Labcorp Genetics (formerly Invitae), Labcorp
Classification: Uncertain significance for Early-infantile DEE. Last evaluated: 2021-11-04. Review status: criteria provided, single submitter. Criteria: Invitae Variant Classification Sherloc (09022015). Collection method: clinical testing. Allele origin: germline.
Comment: This variant is not present in population databases (gnomAD no frequency). This sequence change replaces glycine, which is neutral and non-polar, with alanine, which is neutral and non-polar, at codon 1859 of the SCN1A protein (p.Gly1859Ala). Advanced modeling of protein sequence and biophysical properties (such as structural, functional, and spatial information, amino acid conservation, physicochemical variation, residue mobility, and thermodynamic stability) performed at Invitae indicates that this missense variant is expected to disrupt SCN1A protein function. This variant has not been reported in the literature in individuals affected with SCN1A-related conditions. In summary, the available evidence is currently insufficient to determine the role of this variant in disease. Therefore, it has been classified as a Variant of Uncertain Significance.

NM_001165963.4(SCN1A):c.5576G>C (p.Gly1859Ala)

Genes: SCN1A (sodium voltage-gated channel alpha subunit 1; minus strand), LOC102724058 (uncharacterized LOC102724058; plus strand). Cytogenetic location: 2q24.3.
Variant type: single nucleotide variant.
Coding change: c.5576G>C on transcript NM_001165963.4 (MANE Select); coding-DNA position 5576, G replaced by C.
Protein change: p.Gly1859Ala; replaces glycine 1859 with alanine.
Molecular consequence: missense variant. On other transcripts: non-coding transcript variant (1).
Genome position (GRCh38, 1-based): chr2:165,991,699, C>G on the plus strand (G>C on the coding strand, the complement: SCN1A is on the minus strand). VCF-style: chr2-165991699-C-G. GRCh37 (hg19) VCF-style: chr2-166848209-C-G.
Other names: c.5492G>C, p.Gly1831Ala (NM_001165964.3, NM_001353957.2, NM_001353958.2); c.5576G>C, p.Gly1859Ala (NM_001202435.3, NM_001353948.2); c.5543G>C, p.Gly1848Ala (NM_001353949.2, NM_001353950.2, NM_001353951.2 and 2 more transcripts); c.5540G>C, p.Gly1847Ala (NM_001353954.2, NM_001353955.2); c.5489G>C, p.Gly1830Ala (NM_001353960.2); c.3134G>C, p.Gly1045Ala (NM_001353961.2); short protein forms G1830A, G1859A, G1045A, G1831A, G1848A, G1847A.
Identifiers: ClinVar variation 1501591 (VCV001501591.7), dbSNP rs2105425879, ClinGen allele CA349065385.
Genomic context (GRCh38, chr2:165,991,699, plus strand): 5'-CTCTCTCCTAGAACCCGCTTTGTAAAAGCAAATAAGATATCAAGACAGTGGATCCGGTCA[C>G]CACTCACCATGGGCAAATCCATGGCAATGAGCTGGAGTTTGTTTGGTTGTGGCAGATTGA-3'
Protein context (NP_001159435.1, residues 1849-1869): LIAMDLPMVS[Gly1859Ala]DRIHCLDILF